The following is an entry in ClinVar:

NM_001018005.2(TPM1):c.172G>C (p.Asp58His)

Gene: TPM1 (tropomyosin 1; plus strand). Cytogenetic location: 15q22.2.
Variant type: single nucleotide variant.
Coding change: c.172G>C on transcript NM_001018005.2 (MANE Select); coding-DNA position 172, G replaced by C.
Protein change: p.Asp58His; replaces aspartic acid 58 with histidine.
Molecular consequence: missense variant. On other transcripts: intron variant (3).
Genome position (GRCh38, 1-based): chr15:63,044,084, G>C. VCF-style: chr15-63044084-G-C. GRCh37 (hg19) VCF-style: chr15-63336283-G-C.
Other names: c.172G>C, p.Asp58His (NM_000366.6, NM_001018004.2, NM_001018006.2 and 3 more transcripts); c.298G>C, p.Asp100His (NM_001365778.1); c.240+253G>C (NM_001018020.2, NM_001018007.2, NM_001301244.2); short protein forms D58H, D100H.
Identifiers: ClinVar variation 31875 (VCV000031875.11), dbSNP rs199476304, ClinGen allele CA018682.

ClinVar aggregate classification (germline): Uncertain significance. Review status: criteria provided, single submitter (1 of 4 stars). 2 submissions from 2 submitters: Uncertain significance (1). 1 of the submissions does not count toward it. Last evaluated 2025-08-24.

Conditions:
Hypertrophic cardiomyopathy. Also called: HYPERTROPHIC MYOCARDIOPATHY. Identifiers: Orphanet 217569, MedGen C0007194, MeSH D002312, MONDO:0005045, HP:0001639.

Submissions (2):

Labcorp Genetics (formerly Invitae), Labcorp
Classification: Uncertain significance for Hypertrophic cardiomyopathy. Last evaluated: 2025-08-24. Review status: criteria provided, single submitter. Criteria: Invitae Variant Classification Sherloc (09022015). Collection method: clinical testing. Allele origin: germline.
Comment: This sequence change replaces aspartic acid, which is acidic and polar, with histidine, which is basic and polar, at codon 58 of the TPM1 protein (p.Asp58His). This variant is not present in population databases (gnomAD no frequency). This missense change has been observed in individual(s) with hypertrophic cardiomyopathy (PMID: 19659763, 31270709). ClinVar contains an entry for this variant (Variation ID: 31875). An algorithm developed to predict the effect of missense changes on protein structure and function (PolyPhen-2) suggests that this variant is likely to be disruptive. Experimental studies have shown that this missense change affects TPM1 function (PMID: 25241052). In summary, the available evidence is currently insufficient to determine the role of this variant in disease. Therefore, it has been classified as a Variant of Uncertain Significance.

Leiden Muscular Dystrophy (TPM1)
No classification provided. Last evaluated: 2012-04-15. Review status: no classification provided. Collection method: curation. Allele origin: germline. Not counted in ClinVar's aggregate classification.

Literature cited by the submitters: PubMed 19659763 (cited by Labcorp Genetics (formerly Invitae), Labcorp); PubMed 31270709 (cited by Labcorp Genetics (formerly Invitae), Labcorp); PubMed 25241052 (cited by Labcorp Genetics (formerly Invitae), Labcorp).